The following is an entry in ClinVar:

ClinVar aggregate classification (germline): Uncertain significance (1 of 4 stars; one submission).

Conditions:
Glycogen storage disease, type I. Identifiers: Orphanet 364, MedGen C0017920, MONDO:0002413.

Submission:

Myriad Genetics, Inc.
Classification: Uncertain significance for Glycogen storage disease, type I. Last evaluated: 2026-08-14. Review status: criteria provided, single submitter. Criteria: Myriad Autosomal Dominant, Autosomal Recessive and X-Linked Classification Criteria (2023). Collection method: clinical testing. Allele origin: unknown.
Comment: NM_001164277.1(SLC37A4):c.1124-12T>G is an intronic variant classified as a variant of uncertain significance in the context of glycogen storage disease type Ib. c.1124-12T>G has not been observed in cases with relevant disease. Relevant functional assessments of this variant are not available in the literature. c.1124-12T>G has not been observed in referenced population frequency databases. In summary, there is insufficient evidence to classify NM_001164277.1(SLC37A4):c.1124-12T>G as pathogenic or benign. Please note: this variant was assessed in the context of healthy population screening.

NM_001164277.2(SLC37A4):c.1125-12T>G

Gene: SLC37A4 (solute carrier family 37 member 4; minus strand). Cytogenetic location: 11q23.3.
Variant type: single nucleotide variant.
Coding change: c.1125-12T>G on transcript NM_001164277.2 (MANE Select); 12 bases into the intron before coding-DNA position 1125, T replaced by G.
Molecular consequence: intron variant.
Genome position (GRCh38, 1-based): chr11:119,025,088, A>C on the plus strand (T>G on the coding strand, the complement: SLC37A4 is on the minus strand). VCF-style: chr11-119025088-A-C. GRCh37 (hg19) VCF-style: chr11-118895798-A-C.
Other names: c.906-12T>G (NM_001164279.2); c.1125-12T>G (NM_001467.6, NM_001164280.2); c.1191-12T>G (NM_001164278.2).
Identifiers: ClinVar variation 5004846 (VCV005004846.1).
Genomic context (GRCh38, chr11:119,025,088, plus strand): 5'-TAGTGCTTGGCAATGGTGCTGAAGGGCAGCCCAGCCAGAAAGCCGCCCACTGTCAGGGGG[A>C]AAGGGAAGAACCTAAGCCAGTGGTGCTAGCTCCAGCTTCTCACTGGTCTATATGCAAAGC-3'